The following is an entry in ClinVar:

ClinVar aggregate classification (germline): Benign (1 of 4 stars; one submission).

Conditions:
Fibrous dysplasia of jaw (CRBM). Also called: Cherubism. Identifiers: Orphanet 184, MedGen C0008029, MONDO:0007315, OMIM 118400.

Allele frequency attached by ClinVar (database versions not stated): gnomAD 0.00176 and 0.00177; gnomAD exomes 0.00187; TOPMed 0.00204; 1000 Genomes Project 0.00339; 1000 Genomes Project 30x 0.00406.
gnomAD v4.1: 673 of 368,490 alleles (0.18%); highest among the groups gnomAD compares: Non-Finnish European, 0.26%; 3 homozygotes.

Submission:

Illumina Laboratory Services, Illumina
Classification: Benign for Fibrous dysplasia of jaw. Last evaluated: 2018-01-13. Review status: criteria provided, single submitter. Criteria: ICSL Variant Classification Criteria 13 December 2019. Collection method: clinical testing. Allele origin: germline.
Comment: This variant was observed in the ICSL laboratory as part of a predisposition screen in an ostensibly healthy population. It had not been previously curated by ICSL or reported in the Human Gene Mutation Database (HGMD: prior to June 1st, 2018), and was therefore a candidate for classification through an automated scoring system. Utilizing variant allele frequency, disease prevalence and penetrance estimates, and inheritance mode, an automated score was calculated to assess if this variant is too frequent to cause the disease. Based on the score and internal cut-off values, a variant classified as benign is not then subjected to further curation. The score for this variant resulted in a classification of benign for this disease.

NM_001122681.2(SH3BP2):c.*305C>T

Gene: SH3BP2 (SH3 domain binding protein 2; plus strand). Cytogenetic location: 4p16.3.
Variant type: single nucleotide variant.
Coding change: c.*305C>T on transcript NM_001122681.2 (MANE Select); 305 bases downstream of the stop codon, C replaced by T.
Molecular consequence: 3 prime UTR variant.
Genome position (GRCh38, 1-based): chr4:2,834,139, C>T. VCF-style: chr4-2834139-C-T. GRCh37 (hg19) VCF-style: chr4-2835866-C-T.
Other names: c.*305C>T (LRG_1334t1, LRG_1334t2, NM_001145855.2 and 2 more transcripts).
Identifiers: ClinVar variation 348600 (VCV000348600.5), dbSNP rs140456631, ClinGen allele CA10620912.